The following is an entry in ClinVar:

NM_015021.3(ZNF292):c.68A>C (p.Gln23Pro)

Genes: ZNF292 (zinc finger protein 292; plus strand), LOC129996783 (ATAC-STARR-seq lymphoblastoid active region 24794; plus strand). Cytogenetic location: 6q14.3.
Variant type: single nucleotide variant.
Coding change: c.68A>C on transcript NM_015021.3 (MANE Select); coding-DNA position 68, A replaced by C.
Protein change: p.Gln23Pro; replaces glutamine 23 with proline.
Molecular consequence: missense variant. On other transcripts: 5 prime UTR variant (1).
Genome position (GRCh38, 1-based): chr6:87,155,659, A>C. VCF-style: chr6-87155659-A-C. GRCh37 (hg19) VCF-style: chr6-87865377-A-C.
Other names: c.-498A>C (NM_001351444.2); short protein forms Q23P.
Identifiers: ClinVar variation 2349899 (VCV002349899.24), dbSNP rs201296869, ClinGen allele CA3913555.

ClinVar aggregate classification (germline): Likely benign. Review status: criteria provided, multiple submitters, no conflicts (2 of 4 stars). 2 submissions from 2 submitters: Likely benign (2). Last evaluated 2023-12-01.

Conditions:
Inborn genetic diseases. Identifiers: MedGen C0950123, MeSH D030342.

Allele frequency attached by ClinVar (database versions not stated): gnomAD 0.00042; ExAC 0.00085.
gnomAD v4.1: 1,134 of 1,584,148 alleles (0.072%); highest among the groups gnomAD compares: Non-Finnish European, 0.093%; no homozygotes.

Submissions (2):

CeGaT Center for Human Genetics Tuebingen
Classification: Likely benign. Last evaluated: 2023-12-01. Review status: criteria provided, single submitter. Criteria: CeGaT Center For Human Genetics Tuebingen Variant Classification Criteria Version 2. Collection method: clinical testing. Allele origin: germline. Affected: yes. Observed: 1 variant allele.
Comment: ZNF292: BS1

Ambry Genetics
Classification: Likely benign for Inborn genetic diseases. Last evaluated: 2021-06-11. Review status: criteria provided, single submitter. Criteria: Ambry Variant Classification Scheme 2023. Collection method: clinical testing. Allele origin: germline.